The following is an entry in ClinVar:

NM_198276.3(TMEM17):c.281G>A (p.Arg94Gln)

Gene: TMEM17 (transmembrane protein 17; minus strand). Cytogenetic location: 2p15.
Variant type: single nucleotide variant.
Coding change: c.281G>A on transcript NM_198276.3 (MANE Select); coding-DNA position 281, G replaced by A.
Protein change: p.Arg94Gln; replaces arginine 94 with glutamine.
Molecular consequence: missense variant.
Genome position (GRCh38, 1-based): chr2:62,502,474, C>T on the plus strand (G>A on the coding strand, the complement: TMEM17 is on the minus strand). VCF-style: chr2-62502474-C-T. GRCh37 (hg19) VCF-style: chr2-62729609-C-T.
Other names: short protein forms R94Q.
Identifiers: ClinVar variation 4888146 (VCV004888146.1).
Genomic context (GRCh38, chr2:62,502,474, plus strand): 5'-AGAGAAAGGAAAAAAGAGCTTACCTTCTCCTGTAGGTTACCCACGTAGCCCAGATACAAC[C>T]GGATGGCTTCAATTAAGGTTATTAGGATGATAACAGTGATCACAATGAATTTGTAGTAGT-3'
Protein context (NP_938017.2, residues 84-104): IILITLIEAI[Arg94Gln]LYLGYVGNLQ

ClinVar aggregate classification (germline): Uncertain significance (1 of 4 stars; one submission).

gnomAD v4.1: 34 of 1,612,864 alleles (0.0021%); highest among the groups gnomAD compares: African/African-American, 0.008%; no homozygotes.

Submission:

GeneDx
Classification: Uncertain significance. Last evaluated: 2022-06-05. Review status: criteria provided, single submitter. Criteria: GeneDx Variant Classification Process June 2021. Collection method: clinical testing. Allele origin: germline.
Comment: In silico analysis supports that this missense variant has a deleterious effect on protein structure/function; Has not been previously published as pathogenic or benign to our knowledge; Variants in candidate genes are classified as variants of uncertain significance in accordance with ACMG guidelines (Richards et al., 2015)